The following is an entry in ClinVar:

ClinVar aggregate classification (germline): Uncertain significance. Review status: criteria provided, multiple submitters, no conflicts (2 of 4 stars). 2 submissions from 2 submitters: Uncertain significance (2). Last evaluated 2025-09-23.

Allele frequency attached by ClinVar (database versions not stated): gnomAD exomes 0.00001 and 0.00002; ExAC 0.00002; gnomAD 0.00002 and 0.00003; TOPMed 0.00002; ESP Exome Variant Server 0.00008.
gnomAD v4.1: 32 of 1,612,320 alleles (0.002%); highest among the groups gnomAD compares: Non-Finnish European, 0.0025%; no homozygotes.

Submissions (2):

Women's Health and Genetics/Laboratory Corporation of America, LabCorp
Classification: Uncertain significance. Last evaluated: 2025-09-23. Review status: criteria provided, single submitter. Criteria: LabCorp Variant Classification Summary - May 2015. Collection method: clinical testing. Allele origin: germline.
Comment: Variant summary: XPR1 c.665C>G (p.Pro222Arg) results in a non-conservative amino acid change in the encoded protein sequence. Algorithms developed to predict the effect of missense changes on protein structure and function are either unavailable or do not agree on the potential impact of this missense change. The variant allele was found at a frequency of 8e-06 in 251376 control chromosomes. The available data on variant occurrences in the general population are insufficient to allow any conclusion about variant significance. To our knowledge, no occurrence of c.665C>G in individuals affected with XPR1-related conditions and no experimental evidence demonstrating its impact on protein function have been reported. ClinVar contains an entry for this variant (Variation ID: 1396043). Based on the evidence outlined above, the variant was classified as uncertain significance.

Labcorp Genetics (formerly Invitae), Labcorp
Classification: Uncertain significance. Last evaluated: 2021-08-12. Review status: criteria provided, single submitter. Criteria: Invitae Variant Classification Sherloc (09022015). Collection method: clinical testing. Allele origin: germline.
Comment: This variant is present in population databases (rs375978416, ExAC 0.003%). In summary, the available evidence is currently insufficient to determine the role of this variant in disease. Therefore, it has been classified as a Variant of Uncertain Significance. Algorithms developed to predict the effect of missense changes on protein structure and function are either unavailable or do not agree on the potential impact of this missense change (SIFT: "Tolerated"; PolyPhen-2: "Probably Damaging"; Align-GVGD: "Class C0"). This variant has not been reported in the literature in individuals affected with XPR1-related conditions. This sequence change replaces proline with arginine at codon 222 of the XPR1 protein (p.Pro222Arg). The proline residue is highly conserved and there is a moderate physicochemical difference between proline and arginine.

NM_004736.4(XPR1):c.665C>G (p.Pro222Arg)

Gene: XPR1 (xenotropic and polytropic retrovirus receptor 1; plus strand). Cytogenetic location: 1q25.3.
Variant type: single nucleotide variant.
Coding change: c.665C>G on transcript NM_004736.4 (MANE Select); coding-DNA position 665, C replaced by G.
Protein change: p.Pro222Arg; replaces proline 222 with arginine.
Molecular consequence: missense variant. On other transcripts: non-coding transcript variant (1).
Genome position (GRCh38, 1-based): chr1:180,806,541, C>G. VCF-style: chr1-180806541-C-G. GRCh37 (hg19) VCF-style: chr1-180775677-C-G.
Other names: c.665C>G, p.Pro222Arg (NM_001135669.2, NM_001328662.2); short protein forms P222R.
Identifiers: ClinVar variation 1396043 (VCV001396043.8), dbSNP rs375978416, ClinGen allele CA1272588.